The following is an entry in ClinVar:

NM_000245.4(MET):c.2620G>A (p.Val874Met)

Gene: MET (MET proto-oncogene, receptor tyrosine kinase; plus strand). Cytogenetic location: 7q31.2.
Variant type: single nucleotide variant.
Coding change: c.2620G>A on transcript NM_000245.4 (MANE Select); coding-DNA position 2620, G replaced by A.
Protein change: p.Val874Met; replaces valine 874 with methionine.
Molecular consequence: missense variant.
Genome position (GRCh38, 1-based): chr7:116,769,681, G>A. VCF-style: chr7-116769681-G-A. GRCh37 (hg19) VCF-style: chr7-116409735-G-A.
Other names: c.2674G>A (NM_001127500.1); c.2674G>A, p.Val892Met (NM_001127500.3); c.2620G>A, p.Val874Met (NM_001324401.3); c.1330G>A, p.Val444Met (NM_001324402.2); short protein forms V444M, V874M, V892M.
Identifiers: ClinVar variation 1508104 (VCV001508104.9), dbSNP rs1299130122, ClinGen allele CA368985399.

ClinVar aggregate classification (germline): Uncertain significance. Review status: criteria provided, multiple submitters, no conflicts (2 of 4 stars). 2 submissions from 2 submitters: Uncertain significance (2). Last evaluated 2023-12-10.

Conditions:
Renal cell carcinoma. Identifiers: Orphanet 217071, MedGen C0007134, MeSH D002292, MONDO:0005086, HP:0005584.
Hereditary cancer-predisposing syndrome. Also called: Hereditary neoplastic syndrome; Neoplastic Syndromes, Hereditary; Tumor predisposition; Hereditary Cancer Syndrome. Identifiers: Orphanet 140162, MedGen C0027672, MeSH D009386, MONDO:0015356.

Submissions (2):

Ambry Genetics
Classification: Uncertain significance for Hereditary cancer-predisposing syndrome. Last evaluated: 2023-12-10. Review status: criteria provided, single submitter. Criteria: Ambry Variant Classification Scheme 2023. Collection method: clinical testing. Allele origin: germline.
Comment: The p.V892M variant (also known as c.2674G>A), located in coding exon 11 of the MET gene, results from a G to A substitution at nucleotide position 2674. The valine at codon 892 is replaced by methionine, an amino acid with highly similar properties. This amino acid position is conserved. In addition, the in silico prediction for this alteration is inconclusive. Since supporting evidence is limited at this time, the clinical significance of this alteration remains unclear.

Labcorp Genetics (formerly Invitae), Labcorp
Classification: Uncertain significance for Renal cell carcinoma. Last evaluated: 2022-09-01. Review status: criteria provided, single submitter. Criteria: Invitae Variant Classification Sherloc (09022015). Collection method: clinical testing. Allele origin: germline.
Comment: Algorithms developed to predict the effect of missense changes on protein structure and function are either unavailable or do not agree on the potential impact of this missense change (SIFT: "Deleterious"; PolyPhen-2: "Probably Damaging"; Align-GVGD: "Class C0"). In summary, the available evidence is currently insufficient to determine the role of this variant in disease. Therefore, it has been classified as a Variant of Uncertain Significance. ClinVar contains an entry for this variant (Variation ID: 1508104). This variant has not been reported in the literature in individuals affected with MET-related conditions. This variant is not present in population databases (gnomAD no frequency). This sequence change replaces valine, which is neutral and non-polar, with methionine, which is neutral and non-polar, at codon 892 of the MET protein (p.Val892Met).